The following is an entry in ClinVar:

ClinVar aggregate classification (germline): Uncertain significance (1 of 4 stars; one submission).

Submission:

GeneDx
Classification: Uncertain significance. Last evaluated: 2024-11-07. Review status: criteria provided, single submitter. Criteria: GeneDx Variant Classification Process June 2021. Collection method: clinical testing. Allele origin: germline. Affected: yes.
Comment: Not observed at significant frequency in large population cohorts (gnomAD); In silico analysis supports that this missense variant has a deleterious effect on protein structure/function; Has not been previously published as pathogenic or benign to our knowledge

NM_001031679.3(MSRB3):c.439G>C (p.Gly147Arg)

Gene: MSRB3 (methionine sulfoxide reductase B3; plus strand). Cytogenetic location: 12q14.3.
Variant type: single nucleotide variant.
Coding change: c.439G>C on transcript NM_001031679.3 (MANE Select); coding-DNA position 439, G replaced by C.
Protein change: p.Gly147Arg; replaces glycine 147 with arginine.
Molecular consequence: missense variant.
Genome position (GRCh38, 1-based): chr12:65,463,203, G>C. VCF-style: chr12-65463203-G-C. GRCh37 (hg19) VCF-style: chr12-65856983-G-C.
Other names: c.439G>C, p.Gly147Arg (NM_001193460.2, NM_001193461.2); c.460G>C, p.Gly154Arg (NM_198080.4); short protein forms G147R, G154R.
Identifiers: ClinVar variation 3899075 (VCV003899075.1).
Genomic context (GRCh38, chr12:65,463,203, plus strand): 5'-CTTCTCTTTCAGTGTGGTGCTCACCTTGGGCACATTTTTGATGATGGGCCTCGTCCAACT[G>C]GGAAAAGATACTGCATAAATTCGGCTGCCTTGTCTTTTACACCTGCGGATAGCAGTGGCA-3'
Protein context (NP_001026849.1, residues 137-157): HIFDDGPRPT[Gly147Arg]KRYCINSAAL